The following is an entry in ClinVar:

ClinVar aggregate classification (germline): Benign/Likely benign. Review status: criteria provided, multiple submitters, no conflicts (2 of 4 stars). 2 submissions from 2 submitters: Benign (1); Likely benign (1). Last evaluated 2025-11-01.

Submissions (2):

CeGaT Center for Human Genetics Tuebingen
Classification: Likely benign. Last evaluated: 2025-11-01. Review status: criteria provided, single submitter. Criteria: CeGaT Center For Human Genetics Tuebingen Variant Classification Criteria Version 2. Collection method: clinical testing. Allele origin: germline. Affected: yes. Observed: 2 variant alleles.
Comment: PANO1: BS2

Mendelics
Classification: Benign. Last evaluated: 2022-05-04. Review status: criteria provided, single submitter. Criteria: Mendelics Assertion Criteria 2019. Collection method: clinical testing. Allele origin: germline.

NM_001191061.2(SLC25A22):c.-164+135dup

Genes: SLC25A22 (solute carrier family 25 member 22; minus strand), PANO1 (proapoptotic nucleolar protein 1; plus strand). Cytogenetic location: 11p15.5.
Variant type: Duplication.
Coding change: c.-164+135dup on transcript NM_001191061.2 (MANE Select); 135 bases into the intron after 164 bases upstream of the start codon, one base duplicated (G; older notation c.-164+135dupG).
Molecular consequence: intron variant.
Genome position (GRCh38, 1-based): chr11:798,082, C duplicated on the plus strand (G on the coding strand, the reverse complement: SLC25A22 is on the minus strand); the first of 7 consecutive C bases (chr11:798,082-798,088); duplicating any one gives the same sequence. VCF-style (leftmost placement, unchanged base first): chr11-798081-A-AC. GRCh37 (hg19) VCF-style: chr11-798081-A-AC.
Identifiers: ClinVar variation 1686329 (VCV001686329.7), dbSNP rs1312807369, ClinGen allele CA597022104.